The following is an entry in ClinVar:

ClinVar aggregate classification (germline): Uncertain significance (1 of 4 stars; one submission).

Submission:

Ambry Genetics
Classification: Uncertain significance. Last evaluated: 2025-02-12. Review status: criteria provided, single submitter. Criteria: Ambry Variant Classification Scheme 2023. Collection method: clinical testing. Allele origin: germline.
Comment: The p.P1359A variant (also known as c.4075C>G), located in coding exon 19 of the WNK2 gene, results from a C to G substitution at nucleotide position 4075. The proline at codon 1359 is replaced by alanine, an amino acid with highly similar properties. This amino acid position is conserved. In addition, this alteration is predicted to be tolerated by in silico analysis. Based on the available evidence, the clinical significance of this variant remains unclear.

NM_006648.4(WNK2):c.4075C>G (p.Pro1359Ala)

Gene: WNK2 (WNK lysine deficient protein kinase 2; plus strand). Cytogenetic location: 9q22.31.
Variant type: single nucleotide variant.
Coding change: c.4075C>G on transcript NM_006648.4 (MANE Select); coding-DNA position 4075, C replaced by G.
Protein change: p.Pro1359Ala; replaces proline 1359 with alanine.
Molecular consequence: missense variant.
Genome position (GRCh38, 1-based): chr9:93,288,829, C>G. VCF-style: chr9-93288829-C-G. GRCh37 (hg19) VCF-style: chr9-96051111-C-G.
Other names: c.4186C>G, p.Pro1396Ala (NM_001282394.3); short protein forms P1396A, P1359A.
Identifiers: ClinVar variation 3817065 (VCV003817065.1).